The following is an entry in ClinVar:

NM_017534.6(MYH2):c.1359G>C (p.Lys453Asn)

Genes: MYHAS (myosin heavy chain gene cluster antisense RNA; plus strand), MYH2 (myosin heavy chain 2; minus strand). Cytogenetic location: 17p13.1.
Variant type: single nucleotide variant.
Coding change: c.1359G>C on transcript NM_017534.6 (MANE Select); coding-DNA position 1359, G replaced by C.
Protein change: p.Lys453Asn; replaces lysine 453 with asparagine.
Molecular consequence: missense variant.
Genome position (GRCh38, 1-based): chr17:10,539,262, C>G on the plus strand (G>C on the coding strand, the complement: MYH2 is on the minus strand). VCF-style: chr17-10539262-C-G. GRCh37 (hg19) VCF-style: chr17-10442579-C-G.
Other names: c.1359G>C, p.Lys453Asn (NM_001100112.2); c.1359G>C (NM_017534.5); short protein forms K453N.
Identifiers: ClinVar variation 1504542 (VCV001504542.11), dbSNP rs138998538, ClinGen allele CA8391386.

ClinVar aggregate classification (germline): Uncertain significance. Review status: criteria provided, multiple submitters, no conflicts (2 of 4 stars). 3 submissions from 3 submitters: Uncertain significance (3). Last evaluated 2026-01-18.

Conditions:
Myopathy, proximal, and ophthalmoplegia (CMYO6). Also called: MYOPATHY WITH CONGENITAL JOINT CONTRACTURES, OPHTHALMOPLEGIA, AND RIMMED VACUOLES; INCLUSION BODY MYOPATHY 3, AUTOSOMAL DOMINANT; CONGENITAL MYOPATHY 6 WITH OPHTHALMOPLEGIA. Identifiers: Orphanet 363677, Orphanet 79091, MedGen C1854106, MONDO:0011577, OMIM 605637.
Inborn genetic diseases. Identifiers: MedGen C0950123, MeSH D030342.

Allele frequency attached by ClinVar (database versions not stated): TOPMed 0.00007; gnomAD exomes 0.00001; gnomAD 0.00006 and 0.00005; ExAC 0.00002; ESP Exome Variant Server 0.00008.

Submissions (3):

Labcorp Genetics (formerly Invitae), Labcorp
Classification: Uncertain significance for Myopathy, proximal, and ophthalmoplegia. Last evaluated: 2026-01-18. Review status: criteria provided, single submitter. Criteria: Invitae Variant Classification Sherloc (09022015). Collection method: clinical testing. Allele origin: germline.
Comment: This sequence change replaces lysine, which is basic and polar, with asparagine, which is neutral and polar, at codon 453 of the MYH2 protein (p.Lys453Asn). This variant is present in population databases (rs138998538, gnomAD 0.01%). This variant has not been reported in the literature in individuals affected with MYH2-related conditions. ClinVar contains an entry for this variant (Variation ID: 1504542). Invitae Evidence Modeling of protein sequence and biophysical properties (such as structural, functional, and spatial information, amino acid conservation, physicochemical variation, residue mobility, and thermodynamic stability) indicates that this missense variant is not expected to disrupt MYH2 protein function with a negative predictive value of 80%. In summary, the available evidence is currently insufficient to determine the role of this variant in disease. Therefore, it has been classified as a Variant of Uncertain Significance.

Dasa
Classification: Uncertain significance for Myopathy, proximal, and ophthalmoplegia. Last evaluated: 2025-11-09. Review status: criteria provided, single submitter. Criteria: DASA Assertion Criteria. Collection method: clinical testing. Allele origin: germline.
Comment: NM_017534.6(MYH2):c.1359G>C (p.Lys453Asn) is a missense variant that results in the substitution of lysine with asparagine. This variant is rare in population databases. The currently available literature and clinical evidence are not sufficient to establish a definitive association between this variant and the reported condition. Therefore, this variant is classified as a variant of uncertain significance.

Ambry Genetics
Classification: Uncertain significance for Inborn genetic diseases. Last evaluated: 2025-08-23. Review status: criteria provided, single submitter. Criteria: Ambry Variant Classification Scheme 2023. Collection method: clinical testing. Allele origin: germline.